The following is an entry in ClinVar:

ClinVar aggregate classification (germline): Uncertain significance. Review status: criteria provided, multiple submitters, no conflicts (2 of 4 stars). 2 submissions from 2 submitters: Uncertain significance (2). Last evaluated 2023-05-30.

Allele frequency attached by ClinVar (database versions not stated): gnomAD exomes 0.00001 and 0.00003; ExAC 0.00002.

Submissions (2):

Labcorp Genetics (formerly Invitae), Labcorp
Classification: Uncertain significance. Last evaluated: 2023-05-30. Review status: criteria provided, single submitter. Criteria: Invitae Variant Classification Sherloc (09022015). Collection method: clinical testing. Allele origin: germline.
Comment: Algorithms developed to predict the effect of missense changes on protein structure and function output the following: SIFT: "Not Available"; PolyPhen-2: "Benign"; Align-GVGD: "Not Available". The serine amino acid residue is found in multiple mammalian species, which suggests that this missense change does not adversely affect protein function. This variant is present in population databases (rs771489500, gnomAD 0.003%). This variant has not been reported in the literature in individuals affected with NEXMIF-related conditions. ClinVar contains an entry for this variant (Variation ID: 837833). In summary, the available evidence is currently insufficient to determine the role of this variant in disease. Therefore, it has been classified as a Variant of Uncertain Significance. This sequence change replaces glycine, which is neutral and non-polar, with serine, which is neutral and polar, at codon 168 of the NEXMIF protein (p.Gly168Ser).

Women's Health and Genetics/Laboratory Corporation of America, LabCorp
Classification: Uncertain significance. Last evaluated: 2022-04-17. Review status: criteria provided, single submitter. Criteria: LabCorp Variant Classification Summary - May 2015. Collection method: clinical testing. Allele origin: germline.
Comment: Variant summary: NEXMIF c.502G>A (p.Gly168Ser) results in a non-conservative amino acid change in the encoded protein sequence. Four of five in-silico tools predict a benign effect of the variant on protein function. The variant allele was found at a frequency of 1.1e-05 in 183055 control chromosomes. The available data on variant occurrences in the general population are insufficient to allow any conclusion about variant significance. To our knowledge, no occurrence of c.502G>A in individuals affected with Intellectual Developmental Disorder, X-Linked 98 and no experimental evidence demonstrating its impact on protein function have been reported. One clinical diagnostic laboratory has submitted clinical-significance assessments for this variant to ClinVar after 2014 without evidence for independent evaluation and classified the variant as uncertain significance. Based on the evidence outlined above, the variant was classified as uncertain significance.

NM_001008537.3(NEXMIF):c.502G>A (p.Gly168Ser)

Gene: NEXMIF (neurite extension and migration factor; minus strand). Cytogenetic location: Xq13.3.
Variant type: single nucleotide variant.
Coding change: c.502G>A on transcript NM_001008537.3 (MANE Select); coding-DNA position 502, G replaced by A.
Protein change: p.Gly168Ser; replaces glycine 168 with serine.
Molecular consequence: missense variant.
Genome position (GRCh38, 1-based): chrX:74,744,055, C>T on the plus strand (G>A on the coding strand, the complement: NEXMIF is on the minus strand). VCF-style: chrX-74744055-C-T. GRCh37 (hg19) VCF-style: chrX-73963890-C-T.
Other names: short protein forms G168S.
Identifiers: ClinVar variation 837833 (VCV000837833.7), dbSNP rs771489500, ClinGen allele CA10455207.